The following is an entry in ClinVar:

ClinVar aggregate classification (germline): Uncertain significance. Review status: criteria provided, multiple submitters, no conflicts (2 of 4 stars). 3 submissions from 3 submitters: Uncertain significance (3). Last evaluated 2025-04-01.

Conditions:
Lambdoidal craniosynostosis. Identifiers: MedGen C1833340, HP:0004443.
Chitayat syndrome (CHYTS). Identifiers: MedGen C4310679, MONDO:0014956, OMIM 617180.
Inborn genetic diseases. Identifiers: MedGen C0950123, MeSH D030342.

Allele frequency attached by ClinVar (database versions not stated): gnomAD exomes below 0.00001.
gnomAD v4.1: 1 of 1,613,560 alleles (0.000062%); highest among the groups gnomAD compares: East Asian, 0.0022%; no homozygotes.

Submissions (3):

Ambry Genetics
Classification: Uncertain significance for Inborn genetic diseases. Last evaluated: 2025-04-01. Review status: criteria provided, single submitter. Criteria: Ambry Variant Classification Scheme 2023. Collection method: clinical testing. Allele origin: germline.

GeneDx
Classification: Uncertain significance. Last evaluated: 2023-05-08. Review status: criteria provided, single submitter. Criteria: GeneDx Variant Classification Process June 2021. Collection method: clinical testing. Allele origin: germline. Affected: yes.
Comment: Not observed at significant frequency in large population cohorts (gnomAD); In silico analysis supports that this missense variant has a deleterious effect on protein structure/function; Has not been previously published as pathogenic or benign to our knowledge

Department of Pathology and Laboratory Medicine, Sinai Health System
Classification: Uncertain significance for Craniosynostosis 4; Chitayat syndrome. Last evaluated: 2022-05-10. Review status: criteria provided, single submitter. Criteria: ACMG Guidelines, 2015. Collection method: research. Allele origin: germline.

NM_006494.4(ERF):c.538C>T (p.Arg180Cys)

Gene: ERF (ETS2 repressor factor; minus strand). Cytogenetic location: 19q13.2.
Variant type: single nucleotide variant.
Coding change: c.538C>T on transcript NM_006494.4 (MANE Select); coding-DNA position 538, C replaced by T.
Protein change: p.Arg180Cys; replaces arginine 180 with cysteine.
Molecular consequence: missense variant.
Genome position (GRCh38, 1-based): chr19:42,249,574, G>A on the plus strand (C>T on the coding strand, the complement: ERF is on the minus strand). VCF-style: chr19-42249574-G-A. GRCh37 (hg19) VCF-style: chr19-42753726-G-A.
Other names: c.313C>T, p.Arg105Cys (NM_001301035.2, NM_001308402.2, NM_001312656.2); short protein forms R105C, R180C.
Identifiers: ClinVar variation 1700905 (VCV001700905.5), dbSNP rs770334700, ClinGen allele CA9471377.